The following is an entry in ClinVar:

NM_001267550.2(TTN):c.63757G>T (p.Gly21253Ter)

Genes: TTN (titin; minus strand), TTN-AS1 (TTN antisense RNA 1; plus strand). Cytogenetic location: 2q31.2.
Variant type: single nucleotide variant.
Coding change: c.63757G>T on transcript NM_001267550.2 (MANE Select); coding-DNA position 63757, G replaced by T.
Protein change: p.Gly21253Ter; replaces glycine 21253 with a stop codon.
Molecular consequence: nonsense.
Genome position (GRCh38, 1-based): chr2:178,587,552, C>A on the plus strand (G>T on the coding strand, the complement: TTN is on the minus strand). VCF-style: chr2-178587552-C-A. GRCh37 (hg19) VCF-style: chr2-179452279-C-A.
Other names: c.58834G>T, p.Gly19612Ter (NM_001256850.1); c.36562G>T, p.Gly12188Ter (NM_003319.4); c.56053G>T, p.Gly18685Ter (NM_133378.4); c.36937G>T, p.Gly12313Ter (NM_133432.3); c.37138G>T, p.Gly12380Ter (NM_133437.4); short protein forms G12188*, G12313*, G18685*, G19612*, G21253*, G12380*.
Identifiers: ClinVar variation 4193695 (VCV004193695.1).
Genomic context (GRCh38, chr2:178,587,552, plus strand): 5'-GGGAGAAGCATTTTAGTAACCCACCTAATACTCTGACATTTACGAATACAGCCTTTTCTC[C>A]TGCTGGGTTCACAAGTGTTAAGGAATATTTTCCTGAGTCATCACGGGTAGAATTGGGGAT-3'

ClinVar aggregate classification (germline): Likely pathogenic (1 of 4 stars; one submission).

Conditions:
Cardiovascular phenotype. Identifiers: MedGen CN230736.

Submission:

Ambry Genetics
Classification: Likely pathogenic for Cardiovascular phenotype. Last evaluated: 2025-06-20. Review status: criteria provided, single submitter. Criteria: Ambry Variant Classification Scheme 2023. Collection method: clinical testing. Allele origin: germline.
Comment: The p.G12188* variant (also known as c.36562G>T), located in coding exon 133 of the TTN gene, results from a G to T substitution at nucleotide position 36562. This changes the amino acid from a glycine to a stop codon within coding exon 133. This exon is located in the A-band region of the N2-B isoform of the titin protein and is constitutively expressed in TTN transcripts (percent spliced in or PSI 100%). This variant is considered to be rare based on population cohorts in the Genome Aggregation Database (gnomAD). This variant is expected to result in loss of function by premature protein truncation or nonsense-mediated mRNA decay. While truncating variants in TTN are present in 1-3% of the general population, truncating variants in the A-band are the most common cause of dilated cardiomyopathy (Herman DS et al. N. Engl. J. Med., 2012 Feb;366:619-28; Roberts AM et al. Sci Transl Med, 2015 Jan;7:270ra6). TTN truncating variants encoded in constitutive exons (PSI >90%) have been found to be significantly associated with DCM regardless of their position in titin (Schafer S et al. Nat. Genet., 2017 01;49:46-53; Akhtar MM et al. Circ Heart Fail, 2020 Oct;13:e006832; Massier M et al. Clin Genet, 2025 Jan). Based on the majority of available evidence to date, this variant is likely to be pathogenic.